The following is an entry in ClinVar:

NM_001164508.2(NEB):c.182C>G (p.Ala61Gly)

Gene: NEB (nebulin; minus strand). Cytogenetic location: 2q23.3.
Variant type: single nucleotide variant.
Coding change: c.182C>G on transcript NM_001164508.2 (MANE Select); coding-DNA position 182, C replaced by G.
Protein change: p.Ala61Gly; replaces alanine 61 with glycine.
Molecular consequence: missense variant.
Genome position (GRCh38, 1-based): chr2:151,727,803, G>C on the plus strand (C>G on the coding strand, the complement: NEB is on the minus strand). VCF-style: chr2-151727803-G-C. GRCh37 (hg19) VCF-style: chr2-152584317-G-C.
Other names: c.182C>G, p.Ala61Gly (NM_001164507.2, NM_001271208.2, NM_004543.5); short protein forms A61G.
Identifiers: ClinVar variation 1415292 (VCV001415292.5), dbSNP rs2099795617, ClinGen allele CA348795281.
Genomic context (GRCh38, chr2:151,727,803, plus strand): 5'-AACTTTGAAGGATCCACTTTCTTCCGGATGACCTTCCTCCTCTCCACCGGCTTTGCTGAT[G>C]CTGGCTGTGCCAGTGCTGGCTGTGCCAGAGCTGGTTTGGAAGTTTCTGATTGCTCATAGT-3'
Protein context (NP_001157980.2, residues 51-71): ALAQPALAQP[Ala61Gly]SAKPVERRKV

ClinVar aggregate classification (germline): Uncertain significance (1 of 4 stars; one submission).

Conditions:
Nemaline myopathy 2 (NEM2). Also called: Nemaline myopathy 2, autosomal recessive. Identifiers: MedGen C1850569, MONDO:0009725, OMIM 256030.

Allele frequency attached by ClinVar (database versions not stated): TOPMed below 0.00001.

Submission:

Labcorp Genetics (formerly Invitae), Labcorp
Classification: Uncertain significance for Nemaline myopathy 2. Last evaluated: 2021-08-31. Review status: criteria provided, single submitter. Criteria: Invitae Variant Classification Sherloc (09022015). Collection method: clinical testing. Allele origin: germline.
Comment: This sequence change replaces alanine with glycine at codon 61 of the NEB protein (p.Ala61Gly). The alanine residue is weakly conserved and there is a small physicochemical difference between alanine and glycine. This variant is not present in population databases (ExAC no frequency). This variant has not been reported in the literature in individuals affected with NEB-related conditions. Algorithms developed to predict the effect of missense changes on protein structure and function are either unavailable or do not agree on the potential impact of this missense change (SIFT: "Tolerated"; PolyPhen-2: "Not Available"; Align-GVGD: "Class C0"). In summary, the available evidence is currently insufficient to determine the role of this variant in disease. Therefore, it has been classified as a Variant of Uncertain Significance.